The following is an entry in ClinVar:

ClinVar aggregate classification (germline): Uncertain significance. Review status: criteria provided, multiple submitters, no conflicts (2 of 4 stars). 6 submissions from 6 submitters: Uncertain significance (5). 1 of the submissions does not count toward it. Last evaluated 2026-01-09.

Conditions:
FANCC-related disorder. Also called: FANCC-related condition.
Hereditary cancer-predisposing syndrome. Also called: Hereditary neoplastic syndrome; Tumor predisposition; Hereditary Cancer Syndrome; Neoplastic Syndromes, Hereditary. Identifiers: Orphanet 140162, MedGen C0027672, MeSH D009386, MONDO:0015356.
Fanconi anemia (FA). Also called: Fanconi's anemia. Identifiers: Orphanet 84, MedGen C0015625, MeSH D005199, MONDO:0019391.

Allele frequency attached by ClinVar (database versions not stated): gnomAD exomes 0.00002; gnomAD 0.00007 and 0.00005; TOPMed 0.00009; ExAC 0.00005; ESP Exome Variant Server 0.00015; 1000 Genomes Project 0.00040; 1000 Genomes Project 30x 0.00047.
gnomAD v4.1: 37 of 1,614,128 alleles (0.0023%); highest among the groups gnomAD compares: African/African-American, 0.019%; no homozygotes.

Submissions (6):

Labcorp Genetics (formerly Invitae), Labcorp
Classification: Uncertain significance for Fanconi anemia. Last evaluated: 2026-01-09. Review status: criteria provided, single submitter. Criteria: Invitae Variant Classification Sherloc (09022015). Collection method: clinical testing. Allele origin: germline.
Comment: This sequence change replaces arginine, which is basic and polar, with cysteine, which is neutral and slightly polar, at codon 535 of the FANCC protein (p.Arg535Cys). This variant is present in population databases (rs185822330, gnomAD 0.02%). This missense change has been observed in individual(s) with pancreatic ductal adenocarcinoma (PMID: 28767289, 35171259). ClinVar contains an entry for this variant (Variation ID: 220016). Invitae Evidence Modeling of protein sequence and biophysical properties (such as structural, functional, and spatial information, amino acid conservation, physicochemical variation, residue mobility, and thermodynamic stability) indicates that this missense variant is not expected to disrupt FANCC protein function with a negative predictive value of 80%. In summary, the available evidence is currently insufficient to determine the role of this variant in disease. Therefore, it has been classified as a Variant of Uncertain Significance.

Ambry Genetics
Classification: Uncertain significance for Hereditary cancer-predisposing syndrome. Last evaluated: 2025-12-09. Review status: criteria provided, single submitter. Criteria: Ambry Variant Classification Scheme 2023. Collection method: clinical testing. Allele origin: germline.
Comment: The p.R535C variant (also known as c.1603C>T), located in coding exon 14 of the FANCC gene, results from a C to T substitution at nucleotide position 1603. The arginine at codon 535 is replaced by cysteine, an amino acid with highly dissimilar properties. This amino acid position is poorly conserved in available vertebrate species. In addition, this alteration is predicted to be tolerated by in silico analysis. Since supporting evidence is limited at this time, the clinical significance of this alteration remains unclear.

GeneDx
Classification: Uncertain significance. Last evaluated: 2023-10-01. Review status: criteria provided, single submitter. Criteria: GeneDx Variant Classification Process June 2021. Collection method: clinical testing. Allele origin: germline. Affected: yes.
Comment: In silico analysis supports that this missense variant does not alter protein structure/function; Identified in patients with pancreatic ductal adenocarcinoma or breast cancer (Shindo et al., 2017; Dorling et al., 2021; Yin et al., 2022); This variant is associated with the following publications: (PMID: 32659497, Gordon2000[Book], 33471991, 35171259, 28767289)

PreventionGenetics, part of Exact Sciences
Classification: Uncertain significance for FANCC-related condition. Last evaluated: 2022-11-10. Review status: criteria provided, single submitter. Criteria: ACMG Guidelines, 2015. Collection method: clinical testing. Allele origin: germline.
Comment: The FANCC c.1603C>T variant is predicted to result in the amino acid substitution p.Arg535Cys. This variant was reported in an individual with pancreatic ductal adenocarcinoma (Shindo et al. 2017. PubMed ID: 28767289). This variant is reported in 0.016% of alleles in individuals of African descent in gnomAD. It is interpreted as a variant of uncertain significance in ClinVar. At this time, the clinical significance of this variant is uncertain due to the absence of conclusive functional and genetic evidence.

Sema4
Classification: Uncertain significance for Fanconi anemia. Last evaluated: 2021-08-17. Review status: criteria provided, single submitter. Criteria: Sema4 Curation Guidelines. Collection method: curation. Allele origin: germline.
Comment: The FANCC c.1603C>T (p.R535C) variant has been reported in heterozygosity in at least two individuals with pancreatic ductal adenocarcinoma or breast cancer (PMID: 28767289, 33471991). This variant was observed in 4/24954 chromosomes in the African population according to the Genome Aggregation Database (PMID: 32461654) and has been reported in ClinVar (Variation ID: 220016). Functional studies have not been performed, and in silico predictions of the variant's effect on protein function are inconclusive. Based on the current evidence available, this variant is interpreted as a variant of uncertain significance.

Natera, Inc.
Classification: Uncertain significance for Fanconi anemia. Last evaluated: 2018-09-17. Review status: no assertion criteria provided. Collection method: clinical testing. Allele origin: germline. Not counted in ClinVar's aggregate classification.

Literature cited by the submitters: PubMed 28767289 (cited by Labcorp Genetics (formerly Invitae), Labcorp and Sema4); PubMed 35171259 (cited by Labcorp Genetics (formerly Invitae), Labcorp); PubMed 33471991 (cited by Sema4).

NM_000136.3(FANCC):c.1603C>T (p.Arg535Cys)

Genes: AOPEP (aminopeptidase O (putative); plus strand), FANCC (FA complementation group C; minus strand). Cytogenetic location: 9q22.32.
Variant type: single nucleotide variant.
Coding change: c.1603C>T on transcript NM_000136.3 (MANE Select); coding-DNA position 1603, C replaced by T.
Protein change: p.Arg535Cys; replaces arginine 535 with cysteine.
Molecular consequence: missense variant.
Genome position (GRCh38, 1-based): chr9:95,101,781, G>A on the plus strand (C>T on the coding strand, the complement: FANCC is on the minus strand). VCF-style: chr9-95101781-G-A. GRCh37 (hg19) VCF-style: chr9-97864063-G-A.
Other names: c.1603C>T, p.Arg535Cys (NM_001243743.2); short protein forms R535C.
Identifiers: ClinVar variation 220016 (VCV000220016.24), dbSNP rs185822330, ClinGen allele CA349793.